The following is an entry in ClinVar:

NM_000179.3(MSH6):c.1755A>G (p.Leu585=)

Gene: MSH6 (mutS homolog 6; plus strand). Cytogenetic location: 2p16.3.
Variant type: single nucleotide variant.
Coding change: c.1755A>G on transcript NM_000179.3 (MANE Select); coding-DNA position 1755, A replaced by G.
Protein change: p.Leu585=; no amino-acid change (leucine 585 retained).
Molecular consequence: synonymous variant. On other transcripts: non-coding transcript variant (4), intron variant (2).
Genome position (GRCh38, 1-based): chr2:47,799,738, A>G. VCF-style: chr2-47799738-A-G. GRCh37 (hg19) VCF-style: chr2-48026877-A-G.
Other names: c.1365A>G, p.Leu455= (NM_001281492.2); c.849A>G, p.Leu283= (NM_001281493.2, NM_001281494.2, NM_001406811.1 and 6 more transcripts); c.1851A>G, p.Leu617= (NM_001406795.1, NM_001406802.1); c.1755A>G, p.Leu585= (NM_001406796.1, NM_001406798.1, NM_001406800.1 and 3 more transcripts); c.1458A>G, p.Leu486= (NM_001406797.1, NM_001406801.1, NM_001406805.1 and 10 more transcripts); c.1230A>G, p.Leu410= (NM_001406799.1, NM_001406806.1, NM_001406807.1); c.1677A>G, p.Leu559= (NM_001406804.1); c.1761A>G, p.Leu587= (NM_001406813.1); and 3 more.
Identifiers: ClinVar variation 3296401 (VCV003296401.4).
Genomic context (GRCh38, chr2:47,799,738, plus strand): 5'-GGGAAAGTTTTTCATAGGTCAGTTTTCAGATGATCGCCATTGTTCGAGATTTAGGACTCT[A>G]GTGGCACACTATCCCCCAGTACAAGTTTTATTTGAAAAAGGAAATCTCTCAAAGGAAACT-3'
Protein context (NP_000170.1, residues 575-595): DDRHCSRFRT[Leu585=]VAHYPPVQVL

ClinVar aggregate classification (germline): Benign/Likely benign. Review status: criteria provided, multiple submitters, no conflicts (2 of 4 stars). 3 submissions from 3 submitters: Benign (1); Likely benign (2). Last evaluated 2024-12-27.

Conditions:
Lynch syndrome 5 (LYNCH5). Also called: Hereditary non-polyposis colorectal cancer, type 5; Colorectal cancer, hereditary nonpolyposis, type 5. Identifiers: Orphanet 144, MedGen C1833477, MONDO:0013710, OMIM 614350. Disease mechanism: loss of function.
Hereditary cancer-predisposing syndrome. Also called: Tumor predisposition; Hereditary Cancer Syndrome; Hereditary neoplastic syndrome; Neoplastic Syndromes, Hereditary. Identifiers: Orphanet 140162, MedGen C0027672, MeSH D009386, MONDO:0015356.
Hereditary nonpolyposis colorectal neoplasms. Identifiers: MedGen C0009405, MeSH D003123.

gnomAD v4.1: 2 of 1,614,194 alleles (0.00012%); highest among the groups gnomAD compares: Non-Finnish European, 0.000085%; no homozygotes.

Submissions (3):

Myriad Genetics, Inc.
Classification: Benign for Lynch syndrome 5. Last evaluated: 2024-12-27. Review status: criteria provided, single submitter. Criteria: Myriad Autosomal Dominant, Autosomal Recessive and X-Linked Classification Criteria (2023). Collection method: clinical testing. Allele origin: unknown.
Comment: This variant is considered benign. This variant is a silent/synonymous amino acid change and it is not expected to impact splicing.

Labcorp Genetics (formerly Invitae), Labcorp
Classification: Likely benign for Hereditary nonpolyposis colorectal neoplasms. Last evaluated: 2024-10-16. Review status: criteria provided, single submitter. Criteria: Invitae Variant Classification Sherloc (09022015). Collection method: clinical testing. Allele origin: germline.

Ambry Genetics
Classification: Likely benign for Hereditary cancer-predisposing syndrome. Last evaluated: 2024-05-11. Review status: criteria provided, single submitter. Criteria: Ambry Variant Classification Scheme 2023. Collection method: clinical testing. Allele origin: germline.